The following is an entry in ClinVar:

NM_012431.3(SEMA3E):c.951C>G (p.Thr317=)

Gene: SEMA3E (semaphorin 3E; minus strand). Cytogenetic location: 7q21.11.
Variant type: single nucleotide variant.
Coding change: c.951C>G on transcript NM_012431.3 (MANE Select); coding-DNA position 951, C replaced by G.
Protein change: p.Thr317=; no amino-acid change (threonine 317 retained).
Molecular consequence: synonymous variant.
Genome position (GRCh38, 1-based): chr7:83,405,497, G>C on the plus strand (C>G on the coding strand, the complement: SEMA3E is on the minus strand). VCF-style: chr7-83405497-G-C. GRCh37 (hg19) VCF-style: chr7-83034813-G-C.
Other names: c.771C>G, p.Thr257= (NM_001178129.2).
Identifiers: ClinVar variation 697471 (VCV000697471.35), dbSNP rs201663991, ClinGen allele CA4322150.

ClinVar aggregate classification (germline): Benign/Likely benign. Review status: criteria provided, multiple submitters, no conflicts (2 of 4 stars). 3 submissions from 3 submitters: Benign (1); Likely benign (2). Last evaluated 2025-03-03.

Conditions:
CHARGE syndrome (CHARGE). Also called: Hittner Hirsch Kreh syndrome; CHARGE ASSOCIATION--COLOBOMA, HEART ANOMALY, CHOANAL ATRESIA, RETARDATION, GENITAL AND EAR ANOMALIES; Coloboma, heart anomaly, choanal atresia, retardation, genital and ear anomalies; CHARGE association; Hall-Hittner syndrome. Identifiers: Orphanet 138, MedGen C0265354, MONDO:0008965.

Allele frequency attached by ClinVar (database versions not stated): TOPMed 0.00006; ESP Exome Variant Server 0.00008; gnomAD exomes 0.00039 and 0.00108; gnomAD 0.00075 and 0.00080; ExAC 0.00105.

Submissions (3):

Labcorp Genetics (formerly Invitae), Labcorp
Classification: Benign for CHARGE syndrome. Last evaluated: 2025-03-03. Review status: criteria provided, single submitter. Criteria: Invitae Variant Classification Sherloc (09022015). Collection method: clinical testing. Allele origin: germline.

Blueprint Genetics
Classification: Likely benign. Last evaluated: 2024-08-05. Review status: criteria provided, single submitter. Criteria: ACMG Guidelines, 2015. Collection method: clinical testing. Allele origin: germline.

CeGaT Center for Human Genetics Tuebingen
Classification: Likely benign. Last evaluated: 2022-07-01. Review status: criteria provided, single submitter. Criteria: CeGaT Center For Human Genetics Tuebingen Variant Classification Criteria Version 2. Collection method: clinical testing. Allele origin: germline. Affected: yes. Observed: 1 variant allele.
Comment: SEMA3E: BP4, BP7